The following is an entry in ClinVar:

NM_007272.3(CTRC):c.803T>A (p.Leu268Gln)

Gene: CTRC (chymotrypsin C; plus strand). Cytogenetic location: 1p36.21.
Variant type: single nucleotide variant.
Coding change: c.803T>A on transcript NM_007272.3 (MANE Select); coding-DNA position 803, T replaced by A.
Protein change: p.Leu268Gln; replaces leucine 268 with glutamine.
Molecular consequence: missense variant.
Genome position (GRCh38, 1-based): chr1:15,446,585, T>A. VCF-style: chr1-15446585-T-A. GRCh37 (hg19) VCF-style: chr1-15773080-T-A.
Other names: short protein forms L268Q.
Identifiers: ClinVar variation 292916 (VCV000292916.6), dbSNP rs886045376, ClinGen allele CA10607755.

ClinVar aggregate classification (germline): Uncertain significance. Review status: criteria provided, multiple submitters, no conflicts (2 of 4 stars). 2 submissions from 2 submitters: Uncertain significance (2). Last evaluated 2025-04-25.

Conditions:
Hereditary pancreatitis (PCTT). Also called: Hereditary chronic pancreatitis; PRSS1-Related Hereditary Pancreatitis. Identifiers: Orphanet 676, MedGen C0238339, MONDO:0008185, OMIM 167800.

Allele frequency attached by ClinVar (database versions not stated): gnomAD exomes below 0.00001.

Submissions (2):

Ambry Genetics
Classification: Uncertain significance for Hereditary pancreatitis. Last evaluated: 2025-04-25. Review status: criteria provided, single submitter. Criteria: Ambry Variant Classification Scheme 2023. Collection method: clinical testing. Allele origin: germline.
Comment: The p.L268Q variant (also known as c.803T>A), located in coding exon 8 of the CTRC gene, results from a T to A substitution at nucleotide position 803. The leucine at codon 268 is replaced by glutamine, an amino acid with dissimilar properties. This amino acid position is well conserved in available vertebrate species; however, glutamine is the reference amino acid in other vertebrate species. In addition, this alteration is predicted to be tolerated by in silico analysis. Based on the available evidence, the clinical significance of this variant remains unclear.

Illumina Laboratory Services, Illumina
Classification: Uncertain significance for Hereditary pancreatitis. Last evaluated: 2018-01-12. Review status: criteria provided, single submitter. Criteria: ICSL Variant Classification Criteria 13 December 2019. Collection method: clinical testing. Allele origin: germline.